The following is an entry in ClinVar:

ClinVar aggregate classification (germline): Uncertain significance (0 of 4 stars; one submission).

Conditions:
PLCG2-related disorder. Also called: PLCG2-related condition.

Submission:

PreventionGenetics, part of Exact Sciences
Classification: Uncertain significance for PLCG2-related condition. Last evaluated: 2024-03-05. Review status: no assertion criteria provided. Collection method: clinical testing. Allele origin: germline.
Comment: The PLCG2 c.1858A>T variant is predicted to result in the amino acid substitution p.Thr620Ser. To our knowledge, this variant has not been reported in the literature or in a large population database, indicating this variant is rare. At this time, the clinical significance of this variant is uncertain due to the absence of conclusive functional and genetic evidence.

NM_002661.5(PLCG2):c.1858A>T (p.Thr620Ser)

Gene: PLCG2 (phospholipase C gamma 2; plus strand). Cytogenetic location: 16q23.3.
Variant type: single nucleotide variant.
Coding change: c.1858A>T on transcript NM_002661.5 (MANE Select); coding-DNA position 1858, A replaced by T.
Protein change: p.Thr620Ser; replaces threonine 620 with serine.
Molecular consequence: missense variant.
Genome position (GRCh38, 1-based): chr16:81,910,644, A>T. VCF-style: chr16-81910644-A-T. GRCh37 (hg19) VCF-style: chr16-81944249-A-T.
Other names: c.1858A>T, p.Thr620Ser (NM_001425749.1, NM_001425750.1, NM_001425751.1); short protein forms T620S.
Identifiers: ClinVar variation 3350105 (VCV003350105.1).